The following is an entry in ClinVar:

NM_000019.4(ACAT1):c.1269_1271dup (p.Ile424_Gln425insIle)

Gene: ACAT1 (acetyl-CoA acetyltransferase 1; plus strand). Cytogenetic location: 11q22.3.
Variant type: Duplication.
Coding change: c.1269_1271dup on transcript NM_000019.4 (MANE Select); coding-DNA positions 1269 to 1271, 3 bases duplicated (AAT; older notation c.1269_1271dupAAT).
Protein change: p.Ile424_Gln425insIle.
Molecular consequence: inframe insertion. On other transcripts: non-coding transcript variant (2).
Genome position (GRCh38, 1-based): chr11:108,147,375-108,147,377, AAT duplicated; duplicating any 3 consecutive bases within chr11:108,147,374-108,147,377 gives the same sequence; the c. name uses the placement nearest the transcript's 3' end. VCF-style (leftmost placement, unchanged base first): chr11-108147373-C-CTAA. GRCh37 (hg19) VCF-style: chr11-108018100-C-CTAA.
Other names: c.1290_1292dup, p.Ile431_Gln432insIle (NM_001386677.1); c.954_956dup, p.Ile319_Gln320insIle (NM_001386678.1); c.972_974dup, p.Ile325_Gln326insIle (NM_001386679.1); c.999_1001dup, p.Ile334_Gln335insIle (NM_001386681.1, NM_001386682.1, NM_001386685.1 and 6 more transcripts).
Identifiers: ClinVar variation 5003970 (VCV005003970.1).

ClinVar aggregate classification (germline): Uncertain significance (1 of 4 stars; one submission).

Conditions:
Deficiency of acetyl-CoA acetyltransferase. Also called: Beta-ketothiolase deficiency; 3-KETOTHIOLASE DEFICIENCY; 3-OXOTHIOLASE DEFICIENCY; MITOCHONDRIAL ACETOACETYL-CoA THIOLASE DEFICIENCY. Identifiers: Orphanet 134, MedGen C1536500, MONDO:0008760, OMIM 203750. Disease mechanism: loss of function.

Submission:

Myriad Genetics, Inc.
Classification: Uncertain significance for Deficiency of acetyl-CoA acetyltransferase. Last evaluated: 2026-07-20. Review status: criteria provided, single submitter. Criteria: Myriad Autosomal Dominant, Autosomal Recessive and X-Linked Classification Criteria (2023). Collection method: clinical testing. Allele origin: unknown.
Comment: NM_000019.3(ACAT1):c.1269_1271dupAAT(I424dup) is an in-frame insertion classified as a variant of uncertain significance in the context of beta-ketothiolase deficiency. I424dup has not been observed in cases with relevant disease. Relevant functional assessments of this variant are not available in the literature. I424dup has not been observed in referenced population frequency databases. In summary, there is insufficient evidence to classify NM_000019.3(ACAT1):c.1269_1271dupAAT(I424dup) as pathogenic or benign. Please note: this variant was assessed in the context of healthy population screening.